The following is an entry in ClinVar:

ClinVar aggregate classification (germline): Conflicting classifications of pathogenicity. Review status: criteria provided, conflicting classifications (1 of 4 stars). 3 submissions from 3 submitters: Uncertain significance (2); Likely benign (1). Last evaluated 2025-11-04.

Conditions:
Hereditary cancer-predisposing syndrome. Also called: Hereditary neoplastic syndrome; Neoplastic Syndromes, Hereditary; Tumor predisposition; Hereditary Cancer Syndrome. Identifiers: Orphanet 140162, MedGen C0027672, MeSH D009386, MONDO:0015356.

Allele frequency attached by ClinVar (database versions not stated): gnomAD exomes 0.00001; TOPMed 0.00001.
gnomAD v4.1: 12 of 1,606,680 alleles (0.00075%); highest among the groups gnomAD compares: Non-Finnish European, 0.00085%; no homozygotes.

Submissions (3):

Labcorp Genetics (formerly Invitae), Labcorp
Classification: Uncertain significance. Last evaluated: 2025-11-04. Review status: criteria provided, single submitter. Criteria: Invitae Variant Classification Sherloc (09022015). Collection method: clinical testing. Allele origin: germline.
Comment: This sequence change replaces valine, which is neutral and non-polar, with isoleucine, which is neutral and non-polar, at codon 1270 of the POLE protein (p.Val1270Ile). This variant is present in population databases (rs199574832, gnomAD 0.01%). This variant has not been reported in the literature in individuals affected with POLE-related conditions. ClinVar contains an entry for this variant (Variation ID: 246311). Invitae Evidence Modeling of protein sequence and biophysical properties (such as structural, functional, and spatial information, amino acid conservation, physicochemical variation, residue mobility, and thermodynamic stability) indicates that this missense variant is not expected to disrupt POLE protein function with a negative predictive value of 80%. In summary, the available evidence is currently insufficient to determine the role of this variant in disease. Therefore, it has been classified as a Variant of Uncertain Significance.

Ambry Genetics
Classification: Likely benign for Hereditary cancer-predisposing syndrome. Last evaluated: 2025-09-19. Review status: criteria provided, single submitter. Criteria: Ambry Variant Classification Scheme 2023. Collection method: clinical testing. Allele origin: germline.

GeneDx
Classification: Uncertain significance. Last evaluated: 2016-01-07. Review status: criteria provided, single submitter. Criteria: GeneDx Variant Classification (06012015). Collection method: clinical testing. Allele origin: germline. Affected: yes.
Comment: This variant is denoted POLE c.3808G>A at the cDNA level, p.Val1270Ile (V1270I) at the protein level, and results in the change of a Valine to an Isoleucine (GTC>ATC). This variant has not, to our knowledge, been published in the literature as pathogenic or benign. POLE Val1270Ile was not observed in approximately 6,500 individuals of European and African American ancestry in the NHLBI Exome Sequencing Project, suggesting it is not a common benign variant in these populations. Since Valine and Isoleucine share similar properties, this is considered a conservative amino acid substitution. POLE Val1270Ile occurs at a position where amino acids with properties similar to Valine are tolerated across species and is not located in a known functional domain (Tahirov 2009, Preston 2010). In silico analyses are inconsistent regarding the effect this variant may have on protein structure and function. Based on currently available evidence, it is unclear whether POLE Val1270Ile is a pathogenic or benign variant. We consider it to be a variant of uncertain significance.

NM_006231.4(POLE):c.3808G>A (p.Val1270Ile)

Gene: POLE (DNA polymerase epsilon, catalytic subunit; minus strand). Cytogenetic location: 12q24.33.
Variant type: single nucleotide variant.
Coding change: c.3808G>A on transcript NM_006231.4 (MANE Select); coding-DNA position 3808, G replaced by A.
Protein change: p.Val1270Ile; replaces valine 1270 with isoleucine.
Molecular consequence: missense variant.
Genome position (GRCh38, 1-based): chr12:132,649,503, C>T on the plus strand (G>A on the coding strand, the complement: POLE is on the minus strand). VCF-style: chr12-132649503-C-T. GRCh37 (hg19) VCF-style: chr12-133226089-C-T.
Other names: short protein forms V1270I.
Identifiers: ClinVar variation 246311 (VCV000246311.9), dbSNP rs199574832, ClinGen allele CA6893086.